The following is an entry in ClinVar:

ClinVar aggregate classification (germline): Conflicting classifications of pathogenicity. Review status: criteria provided, conflicting classifications (1 of 4 stars). 4 submissions from 4 submitters: Likely pathogenic (1); Uncertain significance (3). Last evaluated 2025-12-28.

Conditions:
Familial hemophagocytic lymphohistiocytosis 2 (FHL2). Also called: PRF1-Related Familial Hemophagocytic Lymphohistiocytosis (PRF1-fHLH). Identifiers: Orphanet 540, MedGen C1863727, MONDO:0011337, OMIM 603553.

Allele frequency attached by ClinVar (database versions not stated): gnomAD 0.00003; TOPMed 0.00005; ExAC 0.00007; gnomAD exomes 0.00007; ESP Exome Variant Server 0.00008.

Submissions (4):

Labcorp Genetics (formerly Invitae), Labcorp
Classification: Likely pathogenic for Familial hemophagocytic lymphohistiocytosis 2. Last evaluated: 2025-12-28. Review status: criteria provided, single submitter. Criteria: Invitae Variant Classification Sherloc (09022015). Collection method: clinical testing. Allele origin: germline.
Comment: This sequence change replaces valine, which is neutral and non-polar, with methionine, which is neutral and non-polar, at codon 38 of the PRF1 protein (p.Val38Met). This variant is present in population databases (rs201909472, gnomAD 0.03%). This missense change has been observed in individual(s) with hemophagocytic lymphohistiocytosis (PMID: 16278825, 17873118, 32542393; internal data). In at least one individual the data is consistent with being in trans (on the opposite chromosome) from a pathogenic variant. ClinVar contains an entry for this variant (Variation ID: 536222). Invitae Evidence Modeling of protein sequence and biophysical properties (such as structural, functional, and spatial information, amino acid conservation, physicochemical variation, residue mobility, and thermodynamic stability) indicates that this missense variant is expected to disrupt PRF1 protein function with a positive predictive value of 95%. In summary, the currently available evidence indicates that the variant is pathogenic, but additional data are needed to prove that conclusively. Therefore, this variant has been classified as Likely Pathogenic.

Women's Health and Genetics/Laboratory Corporation of America, LabCorp
Classification: Uncertain significance. Last evaluated: 2025-05-23. Review status: criteria provided, single submitter. Criteria: LabCorp Variant Classification Summary - May 2015. Collection method: clinical testing. Allele origin: germline.
Comment: Variant summary: PRF1 c.112G>A (p.Val38Met) results in a conservative amino acid change located in the Membrane attack complex component/perforin (MACPF) domain (IPR020864) of the encoded protein sequence. Algorithms developed to predict the effect of missense changes on protein structure and function are either unavailable or do not agree on the potential impact of this missense change. The variant allele was found at a frequency of 7.3e-05 in 246174 control chromosomes. This frequency is not significantly higher than estimated for a pathogenic variant in PRF1 causing Familial Hemophagocytic Lymphohistiocytosis (7.3e-05 vs 0.0027), allowing no conclusion about variant significance. c.112G>A has been reported in the literature in a homozygous individual affected with Familial Hemophagocytic Lymphohistiocytosis (Stadt_2006), while it was also reported in a heterozygous individual with symptoms of hemophagocytic lymphohistiocytosis (Gadoury-Levesque_2020). These report(s) do not provide unequivocal conclusions about association of the variant with Familial Hemophagocytic Lymphohistiocytosis. To our knowledge, no experimental evidence demonstrating an impact on protein function has been reported. The following publications have been ascertained in the context of this evaluation (PMID: 32542393, 16278825). ClinVar contains an entry for this variant (Variation ID: 536222). Based on the evidence outlined above, the variant was classified as uncertain significance.

Blueprint Genetics
Classification: Uncertain significance. Last evaluated: 2022-10-17. Review status: criteria provided, single submitter. Criteria: ACMG Guidelines, 2015. Collection method: clinical testing. Allele origin: germline.

Illumina Laboratory Services, Illumina
Classification: Uncertain significance for Familial hemophagocytic lymphohistiocytosis 2. Last evaluated: 2017-04-27. Review status: criteria provided, single submitter. Criteria: ICSL Variant Classification Criteria 13 December 2019. Collection method: clinical testing. Allele origin: germline.

Literature cited by the submitters: PubMed 16278825 (cited by Labcorp Genetics (formerly Invitae), Labcorp and Women's Health and Genetics/Laboratory Corporation of America, LabCorp); PubMed 17873118 (cited by Labcorp Genetics (formerly Invitae), Labcorp); PubMed 32542393 (cited by Labcorp Genetics (formerly Invitae), Labcorp and Women's Health and Genetics/Laboratory Corporation of America, LabCorp).

NM_001083116.3(PRF1):c.112G>A (p.Val38Met)

Gene: PRF1 (perforin 1; minus strand). Cytogenetic location: 10q22.1.
Variant type: single nucleotide variant.
Coding change: c.112G>A on transcript NM_001083116.3 (MANE Select); coding-DNA position 112, G replaced by A.
Protein change: p.Val38Met; replaces valine 38 with methionine.
Molecular consequence: missense variant.
Genome position (GRCh38, 1-based): chr10:70,600,791, C>T on the plus strand (G>A on the coding strand, the complement: PRF1 is on the minus strand). VCF-style: chr10-70600791-C-T. GRCh37 (hg19) VCF-style: chr10-72360547-C-T.
Other names: c.112G>A, p.Val38Met (NM_005041.6); short protein forms V38M.
Identifiers: ClinVar variation 536222 (VCV000536222.14), dbSNP rs201909472, ClinGen allele CA5539121.